The following is an entry in ClinVar:

NM_000384.3(APOB):c.13111T>C (p.Ser4371Pro)

Gene: APOB (apolipoprotein B; minus strand). Cytogenetic location: 2p24.1.
Variant type: single nucleotide variant.
Coding change: c.13111T>C on transcript NM_000384.3 (MANE Select); coding-DNA position 13111, T replaced by C.
Protein change: p.Ser4371Pro; replaces serine 4371 with proline.
Molecular consequence: missense variant.
Genome position (GRCh38, 1-based): chr2:21,002,311, A>G on the plus strand (T>C on the coding strand, the complement: APOB is on the minus strand). VCF-style: chr2-21002311-A-G. GRCh37 (hg19) VCF-style: chr2-21225183-A-G.
Other names: c.13111T>C (NM_000384.2); short protein forms S4371P.
Identifiers: ClinVar variation 4794993 (VCV004794993.2).
Genomic context (GRCh38, chr2:21,002,311, plus strand): 5'-GATCAAAATATTCTTCACGAAGGGCCATAATGTATTGATGGATCTGCTGTAACTCTTGAG[A>G]AGCTTCCTGAAGCTCGTTTTGAATAAATTCATTGAACTTATGAAGATTAAGGCATAGGTT-3'
Protein context (NP_000375.3, residues 4361-4381): EFIQNELQEA[Ser4371Pro]QELQQIHQYI

ClinVar aggregate classification (germline): Uncertain significance. Review status: criteria provided, multiple submitters, no conflicts (2 of 4 stars). 2 submissions from 2 submitters: Uncertain significance (2). Last evaluated 2026-03-30.

Conditions:
Familial hypobetalipoproteinemia 1. Also called: APOB-Related Familial Hypobetalipoproteinemia; Hypobetalipoproteinemia, normotriglyceridemic; Acanthocytosis with hypobetalipoproteinemia. Identifiers: MedGen C4551990, MONDO:0014252, OMIM 615558.
Hypercholesterolemia, autosomal dominant, type B (FHCL2). Also called: APOLIPOPROTEIN B-100, FAMILIAL DEFECTIVE; APOLIPOPROTEIN B-100, FAMILIAL LIGAND-DEFECTIVE; HYPERCHOLESTEROLEMIA, FAMILIAL, DUE TO LIGAND-DEFECTIVE APOLIPOPROTEIN B; Hyperlipoproteinemia Type IIb; Familial Hypercholesterolemia Type B; Familial hypercholesterolemia 2. Identifiers: MedGen C1704417, MONDO:0007751, OMIM 144010.

gnomAD v4.1: 2 of 1,613,244 alleles (0.00012%); highest among the groups gnomAD compares: Non-Finnish European, 0.00017%; no homozygotes.

Submissions (2):

GeneDx
Classification: Uncertain significance. Last evaluated: 2026-03-30. Review status: criteria provided, single submitter. Criteria: GeneDx Variant Classification Process June 2021. Collection method: clinical testing. Allele origin: germline.
Comment: Not observed at significant frequency in large population cohorts (gnomAD); In silico analysis supports that this missense variant has a deleterious effect on protein structure/function; Has not been previously published as pathogenic or benign to our knowledge

Labcorp Genetics (formerly Invitae), Labcorp
Classification: Uncertain significance for Familial hypobetalipoproteinemia 1; Hypercholesterolemia, autosomal dominant, type B. Last evaluated: 2025-12-10. Review status: criteria provided, single submitter. Criteria: Invitae Variant Classification Sherloc (09022015). Collection method: clinical testing. Allele origin: germline.
Comment: This sequence change replaces serine, which is neutral and polar, with proline, which is neutral and non-polar, at codon 4371 of the APOB protein (p.Ser4371Pro). This variant is present in population databases (no rsID available, gnomAD 0.007%). This variant has not been reported in the literature in individuals affected with APOB-related conditions. Invitae Evidence Modeling of protein sequence and biophysical properties (such as structural, functional, and spatial information, amino acid conservation, physicochemical variation, residue mobility, and thermodynamic stability) indicates that this missense variant is not expected to disrupt APOB protein function with a negative predictive value of 95%. In summary, the available evidence is currently insufficient to determine the role of this variant in disease. Therefore, it has been classified as a Variant of Uncertain Significance.